The following is an entry in ClinVar:

ClinVar aggregate classification (germline): Likely benign. Review status: criteria provided, multiple submitters, no conflicts (2 of 4 stars). 2 submissions from 2 submitters: Likely benign (2). Last evaluated 2022-07-06.

Allele frequency attached by ClinVar (database versions not stated): ExAC 0.00001; gnomAD exomes 0.00003; ESP Exome Variant Server 0.00008; gnomAD 0.00013 and 0.00015; TOPMed 0.00018.
gnomAD v4.1: 42 of 1,603,656 alleles (0.0026%); highest among the groups gnomAD compares: African/African-American, 0.053%; no homozygotes.

Submissions (2):

Labcorp Genetics (formerly Invitae), Labcorp
Classification: Likely benign. Last evaluated: 2022-07-06. Review status: criteria provided, single submitter. Criteria: Invitae Variant Classification Sherloc (09022015). Collection method: clinical testing. Allele origin: germline.

Laboratory for Molecular Medicine, Mass General Brigham Personalized Medicine
Classification: Likely benign. Last evaluated: 2014-11-24. Review status: criteria provided, single submitter. Criteria: LMM Criteria. Collection method: clinical testing. Allele origin: germline. Observed: 1 variant allele.
Comment: Ser1825Ser in exon 45 of OTOGL: This variant is not expected to have clinical si gnificance because it does not alter an amino acid residue and is not located wi thin the splice consensus sequence. It has been identified in 1/3890 African Ame rican chromosomes from a broad population by the NHLBI Exome Sequencing Project.

NM_001378609.3(OTOGL):c.5502C>T (p.Ser1834=)

Gene: OTOGL (otogelin like; plus strand). Cytogenetic location: 12q21.31.
Variant type: single nucleotide variant.
Coding change: c.5502C>T on transcript NM_001378609.3 (MANE Select); coding-DNA position 5502, C replaced by T.
Protein change: p.Ser1834=; no amino-acid change (serine 1834 retained).
Molecular consequence: synonymous variant.
Genome position (GRCh38, 1-based): chr12:80,353,419, C>T. VCF-style: chr12-80353419-C-T. GRCh37 (hg19) VCF-style: chr12-80747199-C-T.
Other names: c.5367C>T, p.Ser1789= (NM_001368062.3); c.5502C>T, p.Ser1834= (NM_001378610.3, NM_173591.7).
Identifiers: ClinVar variation 504798 (VCV000504798.12), dbSNP rs372006140, ClinGen allele CA6701728.
Genomic context (GRCh38, chr12:80,353,419, plus strand): 5'-CTGTGTGCGACCTTGTGAAGCAAGAACATGCCTGAACCAATGGTTCTATGGACACACTTC[C>T]TGTTTGAATCTAAGAGAAGACTGTGTGTGCAAAGTTGGAACTATTCTTCACAGGCCACAT-3'
Protein context (NP_001365538.2, residues 1824-1844): CLNQWFYGHT[Ser1834=]CLNLREDCVC